The following is an entry in ClinVar:

NM_000062.3(SERPING1):c.512C>T (p.Pro171Leu)

Gene: SERPING1 (serpin family G member 1; plus strand). Cytogenetic location: 11q12.1.
Variant type: single nucleotide variant.
Coding change: c.512C>T on transcript NM_000062.3 (MANE Select); coding-DNA position 512, C replaced by T.
Protein change: p.Pro171Leu; replaces proline 171 with leucine.
Molecular consequence: missense variant.
Genome position (GRCh38, 1-based): chr11:57,600,339, C>T. VCF-style: chr11-57600339-C-T. GRCh37 (hg19) VCF-style: chr11-57367812-C-T.
Other names: c.512C>T, p.Pro171Leu (NM_001032295.2); short protein forms P171L.
Identifiers: ClinVar variation 418660 (VCV000418660.3), dbSNP rs1064793350, ClinGen allele CA16619349.

ClinVar aggregate classification (germline): Likely pathogenic. Review status: criteria provided, multiple submitters, no conflicts (2 of 4 stars). 2 submissions from 2 submitters: Likely pathogenic (2). Last evaluated 2023-12-16.

Conditions:
SERPING1-related disorder. Also called: SERPING1-related condition.

Submissions (2):

Blueprint Genetics
Classification: Likely pathogenic for SERPING1-related disorders. Last evaluated: 2023-12-16. Review status: criteria provided, single submitter. Criteria: ACMG Guidelines, 2015. Collection method: clinical testing. Allele origin: germline. Affected: yes. Observed: 2 variant alleles.

GeneDx
Classification: Likely pathogenic. Last evaluated: 2018-02-20. Review status: criteria provided, single submitter. Criteria: GeneDx Variant Classification (06012015). Collection method: clinical testing. Allele origin: germline. Affected: yes.
Comment: The P171L missense variant in the SERPING1 gene has been reported previously, as P149L, in association with Hereditary Angioedema (HAE). (Verpy et al., 1998; Roche et al., 2005). This variant is not observed in large population cohorts (Lek et al., 2016). The P171L variant is a semi-conservative amino acid substitution, which may impact secondary protein structure as these residues differ in some properties. In-silico analyses, including protein predictors and evolutionary conservation, support a deleterious effect. This variant is located within the shutter region (Roche et al., 2005). Based on currently available evidence, we consider P171L to be a likely pathogenic variant.